The following is an entry in ClinVar:

NM_001308173.3(CCNJL):c.189C>G (p.Ala63=)

Gene: CCNJL (cyclin J like; minus strand). Cytogenetic location: 5q33.3.
Variant type: single nucleotide variant.
Coding change: c.189C>G on transcript NM_001308173.3 (MANE Select); coding-DNA position 189, C replaced by G.
Protein change: p.Ala63=; no amino-acid change (alanine 63 retained).
Molecular consequence: synonymous variant. On other transcripts: non-coding transcript variant (2).
Genome position (GRCh38, 1-based): chr5:160,280,616, G>C on the plus strand (C>G on the coding strand, the complement: CCNJL is on the minus strand). VCF-style: chr5-160280616-G-C. GRCh37 (hg19) VCF-style: chr5-159707623-G-C.
Other names: c.189C>G, p.Ala63= (NM_024565.8).
Identifiers: ClinVar variation 3024860 (VCV003024860.22), dbSNP rs140468741, ClinGen allele CA3540343.
Genomic context (GRCh38, chr5:160,280,616, plus strand): 5'-GTAGAGCTGCTTGGAGGTGGTGACGTTGTAGCGATCCATGAAGTGGTCCAGCAGGTAGAC[G>C]GCCAGGTGCCGGGCTGCAGGGCAGAGCTGGCAGTGGCTGCTCAGCAGGGTCAGGATGTCC-3'
Protein context (NP_001295102.1, residues 53-73): CQLCPAARHL[Ala63=]VYLLDHFMDR

ClinVar aggregate classification (germline): Benign (1 of 4 stars; one submission).

Allele frequency attached by ClinVar (database versions not stated): 1000 Genomes Project 30x 0.00297; 1000 Genomes Project 0.00319; gnomAD 0.00842; ESP Exome Variant Server 0.00969.

Submission:

CeGaT Center for Human Genetics Tuebingen
Classification: Benign. Last evaluated: 2024-02-01. Review status: criteria provided, single submitter. Criteria: CeGaT Center For Human Genetics Tuebingen Variant Classification Criteria Version 2. Collection method: clinical testing. Allele origin: germline. Affected: yes. Observed: 1 variant allele.
Comment: CCNJL: BP4, BP7, BS1, BS2